The following is an entry in ClinVar:

NM_000152.5(GAA):c.261C>G (p.Asn87Lys)

Gene: GAA (alpha glucosidase; plus strand). Cytogenetic location: 17q25.3.
Variant type: single nucleotide variant.
Coding change: c.261C>G on transcript NM_000152.5 (MANE Select); coding-DNA position 261, C replaced by G.
Protein change: p.Asn87Lys; replaces asparagine 87 with lysine.
Molecular consequence: missense variant.
Genome position (GRCh38, 1-based): chr17:80,104,847, C>G. VCF-style: chr17-80104847-C-G. GRCh37 (hg19) VCF-style: chr17-78078646-C-G.
Other names: c.261C>G, p.Asn87Lys (NM_001079803.3, NM_001079804.3); short protein forms N87K.
Identifiers: ClinVar variation 1022970 (VCV001022970.12), dbSNP rs1052555748, ClinGen allele CA294886998.
Genomic context (GRCh38, chr17:80,104,847, plus strand): 5'-TGCCCAGGCACACCCCGGCCGTCCCAGAGCAGTGCCCACACAGTGCGACGTCCCCCCCAA[C>G]AGCCGCTTCGATTGCGCCCCTGACAAGGCCATCACCCAGGAACAGTGCGAGGCCCGCGGC-3'
Protein context (NP_000143.2, residues 77-97): AVPTQCDVPP[Asn87Lys]SRFDCAPDKA

ClinVar aggregate classification (germline): Uncertain significance. Review status: criteria provided, multiple submitters, no conflicts (2 of 4 stars). 3 submissions from 3 submitters: Uncertain significance (3). Last evaluated 2022-07-25.

Conditions:
Glycogen storage disease, type II (IOPD). Also called: Glycogen storage disease type 2; Acid maltase deficiency disease; Aglucosidase alfa; Deficiency of alpha-glucosidase; Deficiency of lysosomal alpha-glucosidase; GSD II. Identifiers: Orphanet 365, MedGen C0017921, MONDO:0009290, OMIM 232300.

Allele frequency attached by ClinVar (database versions not stated): gnomAD exomes below 0.00001; TOPMed below 0.00001.
gnomAD v4.1: 10 of 1,612,930 alleles (0.00062%); highest among the groups gnomAD compares: Non-Finnish European, 0.00085%; no homozygotes.

Submissions (3):

Labcorp Genetics (formerly Invitae), Labcorp
Classification: Uncertain significance for Glycogen storage disease, type II. Last evaluated: 2022-07-25. Review status: criteria provided, single submitter. Criteria: Invitae Variant Classification Sherloc (09022015). Collection method: clinical testing. Allele origin: germline.
Comment: This sequence change replaces asparagine, which is neutral and polar, with lysine, which is basic and polar, at codon 87 of the GAA protein (p.Asn87Lys). This variant is present in population databases (no rsID available, gnomAD 0.0009%). This variant has not been reported in the literature in individuals affected with GAA-related conditions. ClinVar contains an entry for this variant (Variation ID: 1022970). Advanced modeling of protein sequence and biophysical properties (such as structural, functional, and spatial information, amino acid conservation, physicochemical variation, residue mobility, and thermodynamic stability) performed at Invitae indicates that this missense variant is not expected to disrupt GAA protein function. Algorithms developed to predict the effect of sequence changes on RNA splicing suggest that this variant may create or strengthen a splice site. In summary, the available evidence is currently insufficient to determine the role of this variant in disease. Therefore, it has been classified as a Variant of Uncertain Significance.

Genome-Nilou Lab
Classification: Uncertain significance for Glycogen storage disease, type II. Last evaluated: 2021-09-05. Review status: criteria provided, single submitter. Criteria: ACMG Guidelines, 2015. Collection method: clinical testing. Allele origin: germline. Affected: no.

GeneDx
Classification: Uncertain significance. Last evaluated: 2020-09-24. Review status: criteria provided, single submitter. Criteria: GeneDx Variant Classification Process June 2021. Collection method: clinical testing. Allele origin: germline. Affected: yes.
Comment: Not observed at a significant frequency in large population cohorts (Lek et al., 2016); In silico analysis supports that this missense variant does not alter protein structure/function; Has not been previously published as pathogenic or benign to our knowledge